The following is an entry in ClinVar:

NM_006096.4(NDRG1):c.1076G>A (p.Gly359Asp)

Gene: NDRG1 (N-myc downstream regulated 1; minus strand). Cytogenetic location: 8q24.22.
Variant type: single nucleotide variant.
Coding change: c.1076G>A on transcript NM_006096.4 (MANE Select); coding-DNA position 1076, G replaced by A.
Protein change: p.Gly359Asp; replaces glycine 359 with aspartic acid.
Molecular consequence: missense variant.
Genome position (GRCh38, 1-based): chr8:133,238,987, C>T on the plus strand (G>A on the coding strand, the complement: NDRG1 is on the minus strand). VCF-style: chr8-133238987-C-T. GRCh37 (hg19) VCF-style: chr8-134251230-C-T.
Other names: c.1076G>A, p.Gly359Asp (NM_001135242.2, NM_001374845.1, NM_001374846.1); c.878G>A, p.Gly293Asp (NM_001258432.2, NM_001374847.1); c.833G>A, p.Gly278Asp (NM_001258433.2); c.1127G>A, p.Gly376Asp (NM_001374844.1); short protein forms G293D, G278D, G359D, G376D.
Identifiers: ClinVar variation 1042391 (VCV001042391.8), dbSNP rs144379016, ClinGen allele CA4886431.
Genomic context (GRCh38, chr8:133,238,987, plus strand): 5'-CCCGAGTTGGGGGTGATGTCCAGGTGGGCCCCCTCGCTGGTGTGCGAGCGGCTGCGGGTG[C>T]CCTCGCTGGTGTGGGAGCGGCTTCGGGTGCCCTCGCTGGTGTGGGAGCGGCTGCGGGTGC-3'
Protein context (NP_006087.2, residues 349-369): GTRSRSHTSE[Gly359Asp]TRSRSHTSEG

ClinVar aggregate classification (germline): Uncertain significance (1 of 4 stars; one submission).

Conditions:
Charcot-Marie-Tooth disease type 4. Also called: Charcot-Marie-Tooth, Type 4; Charcot-Marie-Tooth disease, type IV. Identifiers: Orphanet 64749, MedGen C4082197, MONDO:0018995.

Allele frequency attached by ClinVar (database versions not stated): gnomAD exomes below 0.00001; ExAC 0.00002; ESP Exome Variant Server 0.00008.
gnomAD v4.1: 4 of 1,593,214 alleles (0.00025%); highest among the groups gnomAD compares: Non-Finnish European, 0.00034%; no homozygotes.

Submission:

Labcorp Genetics (formerly Invitae), Labcorp
Classification: Uncertain significance for Charcot-Marie-Tooth disease type 4. Last evaluated: 2022-08-23. Review status: criteria provided, single submitter. Criteria: Invitae Variant Classification Sherloc (09022015). Collection method: clinical testing. Allele origin: germline.
Comment: Algorithms developed to predict the effect of missense changes on protein structure and function are either unavailable or do not agree on the potential impact of this missense change (SIFT: "Tolerated"; PolyPhen-2: "Probably Damaging"; Align-GVGD: "Class C0"). This sequence change replaces glycine, which is neutral and non-polar, with aspartic acid, which is acidic and polar, at codon 359 of the NDRG1 protein (p.Gly359Asp). This variant is not present in population databases (gnomAD no frequency). This variant has not been reported in the literature in individuals affected with NDRG1-related conditions. ClinVar contains an entry for this variant (Variation ID: 1042391). In summary, the available evidence is currently insufficient to determine the role of this variant in disease. Therefore, it has been classified as a Variant of Uncertain Significance.